The following is an entry in ClinVar:

ClinVar aggregate classification (germline): Pathogenic. Review status: criteria provided, multiple submitters, no conflicts (2 of 4 stars). 3 submissions from 3 submitters: Pathogenic (3). Last evaluated 2026-01-20.

Conditions:
Gaucher disease. Also called: Acute cerebral Gaucher disease; Cerebroside lipidosis syndrome; Gaucher splenomegaly; Sphingolipidosis 1; Glucocerebrosidosis; Glucosylceramidase deficiency. Identifiers: Orphanet 355, MedGen C0017205, MONDO:0018150.

Allele frequency attached by ClinVar (database versions not stated): gnomAD exomes below 0.00001; TOPMed 0.00001.
gnomAD v4.1: 7 of 1,614,050 alleles (0.00043%); highest among the groups gnomAD compares: Non-Finnish European, 0.00059%; no homozygotes.

Submissions (3):

Natera, Inc.
Classification: Pathogenic for Gaucher disease. Last evaluated: 2026-01-20. Review status: criteria provided, single submitter. Criteria: Natera Variant Classification Schema (03/2026). Collection method: clinical testing. Allele origin: germline.
Comment: The c.256C>T variant in GBA1 is a nonsense variant predicted to introduce a stop codon at amino acid 86. This variant is expected to result in nonsense mediated decay, truncation, or a dysfunctional protein product. This variant is rare in the general population with a frequency below the threshold expected for the associated phenotype(s). This variant has been observed in one or more individuals affected with the associated recessive disease, as either homozygous or compound heterozygous with a second variant (PMID: 11783951). Given the available evidence, this variant is classified as Pathogenic.

Labcorp Genetics (formerly Invitae), Labcorp
Classification: Pathogenic. Last evaluated: 2025-11-05. Review status: criteria provided, single submitter. Criteria: Invitae Variant Classification Sherloc (09022015). Collection method: clinical testing. Allele origin: germline.
Comment: This sequence change creates a premature translational stop signal (p.Arg86*) in the GBA gene. It is expected to result in an absent or disrupted protein product. Loss-of-function variants in GBA are known to be pathogenic (PMID: 9153297, 10079102, 10796875, 11783951). The frequency data for this variant in the population databases (gnomAD) is considered unreliable due to the presence of homologous sequence, such as pseudogenes or paralogs, in the genome. This premature translational stop signal has been observed in individual(s) with Gaucher disease and/or Parkinson disease (PMID: 11783951, 32613234). This variant is also known as R47X. ClinVar contains an entry for this variant (Variation ID: 1321421). For these reasons, this variant has been classified as Pathogenic.

Women's Health and Genetics/Laboratory Corporation of America, LabCorp
Classification: Pathogenic for Gaucher disease. Last evaluated: 2021-10-25. Review status: criteria provided, single submitter. Criteria: LabCorp Variant Classification Summary - May 2015. Collection method: clinical testing. Allele origin: germline.
Comment: Variant summary: GBA c.256C>T (p.Arg86X) results in a premature termination codon, predicted to cause a truncation of the encoded protein or absence of the protein due to nonsense mediated decay, which are commonly known mechanisms for disease. Truncations downstream of this position have been classified as pathogenic by our laboratory. The variant was absent in 251272 control chromosomes. c.256C>T has been reported in the literature in individuals affected with Type 1 Gaucher Disease (example, Alfonso_2007, Giraldo_2011, Garcia_2021). These data indicate that the variant is likely to be associated with disease. To our knowledge, no experimental evidence demonstrating an impact on protein function has been reported. No clinical diagnostic laboratories have submitted clinical-significance assessments for this variant to ClinVar after 2014. Based on the evidence outlined above, the variant was classified as pathogenic.

Literature cited by the submitters: PubMed 11783951 (cited by Natera, Inc. and Labcorp Genetics (formerly Invitae), Labcorp); PubMed 9153297 (cited by Labcorp Genetics (formerly Invitae), Labcorp); PubMed 10079102 (cited by Labcorp Genetics (formerly Invitae), Labcorp); PubMed 10796875 (cited by Labcorp Genetics (formerly Invitae), Labcorp); PubMed 32613234 (cited by Labcorp Genetics (formerly Invitae), Labcorp); PubMed 17427031 (cited by Women's Health and Genetics/Laboratory Corporation of America, LabCorp); PubMed 22429443 (cited by Women's Health and Genetics/Laboratory Corporation of America, LabCorp); PubMed 34134921 (cited by Women's Health and Genetics/Laboratory Corporation of America, LabCorp).

NM_000157.4(GBA1):c.256C>T (p.Arg86Ter)

Genes: GBA1 (glucosylceramidase beta 1; minus strand), LOC106627981 (GBA recombination region; plus strand). Cytogenetic location: 1q22.
Variant type: single nucleotide variant.
Coding change: c.256C>T on transcript NM_000157.4 (MANE Select); coding-DNA position 256, C replaced by T.
Protein change: p.Arg86Ter; replaces arginine 86 with a stop codon.
Molecular consequence: nonsense. On other transcripts: 5 prime UTR variant (1).
Genome position (GRCh38, 1-based): chr1:155,239,937, G>A on the plus strand (C>T on the coding strand, the complement: GBA1 is on the minus strand). VCF-style: chr1-155239937-G-A. GRCh37 (hg19) VCF-style: chr1-155209728-G-A.
Other names: c.256C>T, p.Arg86Ter (NM_001005742.3, NM_001171812.2, NM_001005741.3); c.-6C>T (NM_001171811.2); c.256C>T (NM_000157.3); short protein forms R86*.
Identifiers: ClinVar variation 1321421 (VCV001321421.4), dbSNP rs1671987417, ClinGen allele CA342727218.